The following is an entry in ClinVar:

NM_001253697.2(ERBIN):c.1096G>T (p.Asp366Tyr)

Gene: ERBIN (erbb2 interacting protein; plus strand). Cytogenetic location: 5q12.3.
Variant type: single nucleotide variant.
Coding change: c.1096G>T on transcript NM_001253697.2 (MANE Select); coding-DNA position 1096, G replaced by T.
Protein change: p.Asp366Tyr; replaces aspartic acid 366 with tyrosine.
Molecular consequence: missense variant.
Genome position (GRCh38, 1-based): chr5:66,026,377, G>T. VCF-style: chr5-66026377-G-T. GRCh37 (hg19) VCF-style: chr5-65322205-G-T.
Other names: c.1096G>T, p.Asp366Tyr (NM_001006600.3, NM_001253698.2, NM_001253699.2 and 2 more transcripts); short protein forms D366Y.
Identifiers: ClinVar variation 2776077 (VCV002776077.3), dbSNP rs2546722193, ClinGen allele CA359975638.

ClinVar aggregate classification (germline): Uncertain significance (1 of 4 stars; one submission).

Submission:

Labcorp Genetics (formerly Invitae), Labcorp
Classification: Uncertain significance. Last evaluated: 2023-01-31. Review status: criteria provided, single submitter. Criteria: Invitae Variant Classification Sherloc (09022015). Collection method: clinical testing. Allele origin: germline.
Comment: This variant is not present in population databases (gnomAD no frequency). This sequence change replaces aspartic acid, which is acidic and polar, with tyrosine, which is neutral and polar, at codon 366 of the ERBIN protein (p.Asp366Tyr). This variant has not been reported in the literature in individuals affected with ERBIN-related conditions. Algorithms developed to predict the effect of missense changes on protein structure and function are either unavailable or do not agree on the potential impact of this missense change (SIFT: "Deleterious"; PolyPhen-2: "Probably Damaging"; Align-GVGD: "Class C15"). Algorithms developed to predict the effect of sequence changes on RNA splicing suggest that this variant may disrupt the consensus splice site. In summary, the available evidence is currently insufficient to determine the role of this variant in disease. Therefore, it has been classified as a Variant of Uncertain Significance.